The following is an entry in ClinVar:

ClinVar aggregate classification (germline): Likely benign (1 of 4 stars; one submission).

Conditions:
IFT140-related disorder. Also called: IFT140-related condition.

gnomAD v4.1: 1 of 1,614,180 alleles (0.000062%); no homozygotes.

Submission:

PreventionGenetics, part of Exact Sciences
Classification: Likely benign for IFT140-related condition. Last evaluated: 2025-12-08. Review status: criteria provided, single submitter. Criteria: ACMG Guidelines, 2015. Collection method: clinical testing. Allele origin: germline.
Comment: This variant is classified as likely benign based on ACMG/AMP sequence variant interpretation guidelines (Richards et al. 2015 PMID: 25741868, with internal and published modifications).

NM_014714.4(IFT140):c.519T>A (p.Ala173=)

Genes: IFT140 (intraflagellar transport 140; minus strand), LOC105371046 (uncharacterized LOC105371046; plus strand). Cytogenetic location: 16p13.3.
Variant type: single nucleotide variant.
Coding change: c.519T>A on transcript NM_014714.4 (MANE Select); coding-DNA position 519, T replaced by A.
Protein change: p.Ala173=; no amino-acid change (alanine 173 retained).
Molecular consequence: synonymous variant.
Genome position (GRCh38, 1-based): chr16:1,592,291, A>T on the plus strand (T>A on the coding strand, the complement: IFT140 is on the minus strand). VCF-style: chr16-1592291-A-T. GRCh37 (hg19) VCF-style: chr16-1642292-A-T.
Identifiers: ClinVar variation 4995350 (VCV004995350.1).